The following is an entry in ClinVar:

NM_001195129.2(PRSS56):c.849+1G>T

Gene: PRSS56 (serine protease 56; plus strand). Cytogenetic location: 2q37.1.
Variant type: single nucleotide variant.
Coding change: c.849+1G>T on transcript NM_001195129.2 (MANE Select); the canonical splice donor site of the intron after coding-DNA position 849, G replaced by T.
Molecular consequence: splice donor variant.
Genome position (GRCh38, 1-based): chr2:232,523,203, G>T. VCF-style: chr2-232523203-G-T. GRCh37 (hg19) VCF-style: chr2-233387913-G-T.
Other names: c.849+1G>T (NM_001369848.1).
Identifiers: ClinVar variation 3631009 (VCV003631009.2).

ClinVar aggregate classification (germline): Pathogenic (1 of 4 stars; one submission).

Conditions:
Isolated microphthalmia 6. Also called: MICROPHTHALMIA, POSTERIOR NONSYNDROMIC. Identifiers: Orphanet 2542, MedGen C3150757, MONDO:0013293, OMIM 613517.

Submission:

Labcorp Genetics (formerly Invitae), Labcorp
Classification: Pathogenic for Isolated microphthalmia 6. Last evaluated: 2024-09-24. Review status: criteria provided, single submitter. Criteria: Invitae Variant Classification Sherloc (09022015). Collection method: clinical testing. Allele origin: germline.
Comment: This sequence change affects a donor splice site in intron 7 of the PRSS56 gene. It is expected to disrupt RNA splicing. Variants that disrupt the donor or acceptor splice site typically lead to a loss of protein function (PMID: 16199547), and loss-of-function variants in PRSS56 are known to be pathogenic (PMID: 31266062, 31992737). This variant is present in population databases (rs145949886, gnomAD 0.02%). Disruption of this splice site has been observed in individual(s) with PRSS56-related conditions (PMID: 32052405, 33203948). In at least one individual the data is consistent with being in trans (on the opposite chromosome) from a pathogenic variant. It has also been observed to segregate with disease in related individuals. Algorithms developed to predict the effect of sequence changes on RNA splicing suggest that this variant may disrupt the consensus splice site. For these reasons, this variant has been classified as Pathogenic.

Literature cited by the submitters: PubMed 16199547; PubMed 31266062; PubMed 31992737; PubMed 32052405; PubMed 33203948.